The following is an entry in ClinVar:

ClinVar aggregate classification (germline): Uncertain significance (1 of 4 stars; one submission).

Conditions:
Hereditary cancer-predisposing syndrome. Also called: Neoplastic Syndromes, Hereditary; Tumor predisposition; Hereditary Cancer Syndrome; Hereditary neoplastic syndrome. Identifiers: Orphanet 140162, MedGen C0027672, MeSH D009386, MONDO:0015356.

Allele frequency attached by ClinVar (database versions not stated): gnomAD exomes below 0.00001; TOPMed below 0.00001; gnomAD 0.00001.

Submission:

Ambry Genetics
Classification: Uncertain significance for Hereditary cancer-predisposing syndrome. Last evaluated: 2017-08-03. Review status: criteria provided, single submitter. Criteria: Ambry Variant Classification Scheme 2023. Collection method: clinical testing. Allele origin: germline.
Comment: The p.A931T variant (also known as c.2791G>A), located in coding exon 4 of the MSH6 gene, results from a G to A substitution at nucleotide position 2791. The alanine at codon 931 is replaced by threonine, an amino acid with similar properties. This amino acid position is not well conserved in available vertebrate species. In addition, the in silico prediction for this alteration is inconclusive. In addition, the CoDP in silico tool predicts this alteration to have minor impact on molecular function, with a score of 0.001 (Terui H et al. J. Biomed. Sci. 2013 Apr;20:25). Since supporting evidence is limited at this time, the clinical significance of this alteration remains unclear.

NM_000179.3(MSH6):c.2791G>A (p.Ala931Thr)

Gene: MSH6 (mutS homolog 6; plus strand). Cytogenetic location: 2p16.3.
Variant type: single nucleotide variant.
Coding change: c.2791G>A on transcript NM_000179.3 (MANE Select); coding-DNA position 2791, G replaced by A.
Protein change: p.Ala931Thr; replaces alanine 931 with threonine.
Molecular consequence: missense variant.
Genome position (GRCh38, 1-based): chr2:47,800,774, G>A. VCF-style: chr2-47800774-G-A. GRCh37 (hg19) VCF-style: chr2-48027913-G-A.
Other names: c.2401G>A, p.Ala801Thr (NM_001281492.2); c.1885G>A, p.Ala629Thr (NM_001281493.2, NM_001281494.2); short protein forms A931T, A629T, A801T.
Identifiers: ClinVar variation 483881 (VCV000483881.5), dbSNP rs1445671236, ClinGen allele CA346755537.